The following is an entry in ClinVar:

NM_033453.4(ITPA):c.529C>T (p.His177Tyr)

Gene: ITPA (inosine triphosphatase; plus strand). Cytogenetic location: 20p13.
Variant type: single nucleotide variant.
Coding change: c.529C>T on transcript NM_033453.4 (MANE Select); coding-DNA position 529, C replaced by T.
Protein change: p.His177Tyr; replaces histidine 177 with tyrosine.
Molecular consequence: missense variant. On other transcripts: synonymous variant (5), non-coding transcript variant (2), intron variant (1).
Genome position (GRCh38, 1-based): chr20:3,223,406, C>T. VCF-style: chr20-3223406-C-T. GRCh37 (hg19) VCF-style: chr20-3204052-C-T.
Other names: p.His177Tyr; c.406C>T, p.His136Tyr (NM_001267623.2); c.192C>T, p.Pro64= (NM_001324236.2, NM_001324237.2, NM_001324238.2 and 1 more transcripts); c.576C>T, p.Pro192= (NM_001424408.1); c.655C>T, p.His219Tyr (NM_001424409.1); c.478C>T, p.His160Tyr (NM_181493.4); c.412-3277C>T (NM_001324240.2); short protein forms H136Y, H160Y, H177Y, H219Y.
Identifiers: ClinVar variation 3380646 (VCV003380646.1).

ClinVar aggregate classification (germline): Uncertain significance (1 of 4 stars; one submission).

gnomAD v4.1: 1 of 1,613,936 alleles (0.000062%); highest among the groups gnomAD compares: Non-Finnish European, 0.000085%; no homozygotes.

Submission:

Mayo Clinic Laboratories, Mayo Clinic
Classification: Uncertain significance. Last evaluated: 2024-07-17. Review status: criteria provided, single submitter. Criteria: ACMG Guidelines, 2015. Collection method: clinical testing. Allele origin: germline. Observed: 1 variant allele.
Comment: PP3, PM2